The following is an entry in ClinVar:

NM_018344.6(SLC29A3):c.846T>C (p.Ser282=)

Gene: SLC29A3 (solute carrier family 29 member 3; plus strand). Cytogenetic location: 10q22.1.
Variant type: single nucleotide variant.
Coding change: c.846T>C on transcript NM_018344.6 (MANE Select); coding-DNA position 846, T replaced by C.
Protein change: p.Ser282=; no amino-acid change (serine 282 retained).
Molecular consequence: synonymous variant. On other transcripts: 3 prime UTR variant (1), non-coding transcript variant (2).
Genome position (GRCh38, 1-based): chr10:71,362,026, T>C. VCF-style: chr10-71362026-T-C. GRCh37 (hg19) VCF-style: chr10-73121783-T-C.
Other names: c.*75T>C (NM_001174098.2); c.612T>C, p.Ser204= (NM_001363518.2).
Identifiers: ClinVar variation 4281485 (VCV004281485.7).

ClinVar aggregate classification (germline): Likely benign (1 of 4 stars; one submission).

gnomAD v4.1: 4 of 1,614,028 alleles (0.00025%); highest among the groups gnomAD compares: Non-Finnish European, 0.00034%; no homozygotes.

Submission:

CeGaT Center for Human Genetics Tuebingen
Classification: Likely benign. Last evaluated: 2025-09-01. Review status: criteria provided, single submitter. Criteria: CeGaT Center For Human Genetics Tuebingen Variant Classification Criteria Version 2. Collection method: clinical testing. Allele origin: germline. Affected: yes. Observed: 1 variant allele.
Comment: SLC29A3: PM2:Supporting, BP4, BP7